The following is an entry in ClinVar:

NM_004646.4(NPHS1):c.2227C>A (p.Arg743Ser)

Gene: NPHS1 (NPHS1 adhesion molecule, nephrin; minus strand). Cytogenetic location: 19q13.12.
Variant type: single nucleotide variant.
Coding change: c.2227C>A on transcript NM_004646.4 (MANE Select); coding-DNA position 2227, C replaced by A.
Protein change: p.Arg743Ser; replaces arginine 743 with serine.
Molecular consequence: missense variant.
Genome position (GRCh38, 1-based): chr19:35,843,579, G>T on the plus strand (C>A on the coding strand, the complement: NPHS1 is on the minus strand). VCF-style: chr19-35843579-G-T. GRCh37 (hg19) VCF-style: chr19-36334481-G-T.
Other names: short protein forms R743S.
Identifiers: ClinVar variation 4847641 (VCV004847641.1).

ClinVar aggregate classification (germline): Uncertain significance (1 of 4 stars; one submission).

Submission:

Women's Health and Genetics/Laboratory Corporation of America, LabCorp
Classification: Uncertain significance. Last evaluated: 2026-03-27. Review status: criteria provided, single submitter. Criteria: LabCorp Variant Classification Summary - May 2015. Collection method: clinical testing. Allele origin: germline.
Comment: Variant summary: NPHS1 c.2227C>A (p.Arg743Ser) results in a non-conservative amino acid change in the encoded protein sequence. Algorithms developed to predict the effect of missense changes on protein structure and function are either unavailable or do not agree on the potential impact of this missense change. The variant was absent in 251448 control chromosomes. The available data on variant occurrences in the general population are insufficient to allow any conclusion about variant significance. To our knowledge, no occurrence of c.2227C>A in individuals affected with NPHS1-related conditions and no experimental evidence demonstrating its impact on protein function have been reported. A different variant affecting the same codon has been classified as likely pathogenic/pathogenic by our lab (c.2227C>T, &same_codon_pdot&), supporting the critical relevance of codon 743 to NPHS1 protein function. No submitters have cited clinical-significance assessments for this variant to ClinVar. Based on the evidence outlined above, the variant was classified as uncertain significance.